The following is an entry in ClinVar:

NM_001040108.2(MLH3):c.3287A>G (p.Gln1096Arg)

Gene: MLH3 (mutL homolog 3; minus strand). Cytogenetic location: 14q24.3.
Variant type: single nucleotide variant.
Coding change: c.3287A>G on transcript NM_001040108.2 (MANE Select); coding-DNA position 3287, A replaced by G.
Protein change: p.Gln1096Arg; replaces glutamine 1096 with arginine.
Molecular consequence: missense variant.
Genome position (GRCh38, 1-based): chr14:75,042,471, T>C on the plus strand (A>G on the coding strand, the complement: MLH3 is on the minus strand). VCF-style: chr14-75042471-T-C. GRCh37 (hg19) VCF-style: chr14-75509174-T-C.
Other names: c.3287A>G, p.Gln1096Arg (NM_014381.3); short protein forms Q1096R.
Identifiers: ClinVar variation 4552118 (VCV004552118.1).

ClinVar aggregate classification (germline): Uncertain significance (1 of 4 stars; one submission).

Submission:

Ambry Genetics
Classification: Uncertain significance. Last evaluated: 2025-11-15. Review status: criteria provided, single submitter. Criteria: Ambry Variant Classification Scheme 2023. Collection method: clinical testing. Allele origin: germline.
Comment: The p.Q1096R variant (also known as c.3287A>G), located in coding exon 2 of the MLH3 gene, results from an A to G substitution at nucleotide position 3287. The glutamine at codon 1096 is replaced by arginine, an amino acid with highly similar properties. This amino acid position is conserved. In addition, the in silico prediction for this alteration is inconclusive. Based on the available evidence, the clinical significance of this variant remains unclear.